The following is an entry in ClinVar:

NM_001040151.2(SCN3B):c.266del (p.Gln89fs)

Gene: SCN3B (sodium voltage-gated channel beta subunit 3; minus strand). Cytogenetic location: 11q24.1.
Variant type: Deletion.
Coding change: c.266del on transcript NM_001040151.2 (MANE Select); coding-DNA position 266, one base deleted (A; older notation c.266delA).
Protein change: p.Gln89fs; shifts the reading frame from glutamine 89.
Molecular consequence: frameshift variant.
Genome position (GRCh38, 1-based): chr11:123,642,625, T deleted on the plus strand (A on the coding strand, the reverse complement: SCN3B is on the minus strand). VCF-style (leftmost placement, unchanged base first): chr11-123642624-CT-C. GRCh37 (hg19) VCF-style: chr11-123513332-CT-C.
Other names: c.266del, p.Gln89fs (NM_018400.4); short protein forms Q89fs.
Identifiers: ClinVar variation 1794537 (VCV001794537.2), dbSNP rs2497572925, ClinGen allele CA2580083732.

ClinVar aggregate classification (germline): Uncertain significance (1 of 4 stars; one submission).

Conditions:
Cardiovascular phenotype. Identifiers: MedGen CN230736.

Submission:

Ambry Genetics
Classification: Uncertain significance for Cardiovascular phenotype. Last evaluated: 2020-03-03. Review status: criteria provided, single submitter. Criteria: Ambry Variant Classification Scheme 2023. Collection method: clinical testing. Allele origin: germline.
Comment: The c.266delA variant, located in coding exon 3 of the SCN3B gene, results from a deletion of one nucleotide at nucleotide position 266, causing a translational frameshift with a predicted alternate stop codon (p.Q89Rfs*24). This alteration is expected to result in loss of function by premature protein truncation or nonsense-mediated mRNA decay. However, loss of function of SCN3B has not been clearly established as a mechanism of disease. Since supporting evidence is limited at this time, the clinical significance of this alteration remains unclear.